The following is an entry in ClinVar:

NM_015311.3(OBSL1):c.[1273dup];[35dup]

Variant type: CompoundHeterozygote.
Identifiers: ClinVar variation 916539 (VCV000916539.5).

ClinVar aggregate classification (germline): Pathogenic (1 of 4 stars; one submission).

Conditions:
3M syndrome 2. Also called: THREE M SYNDROME 2; 3-M Syndrome, OBSL1-Related. Identifiers: Orphanet 2616, MedGen C2752041, MONDO:0013039, OMIM 612921.

Submission:

Kasturba Medical College, Manipal, Kasturba Medical College, Manipal, Manipal Academy of Higher Education, Manipal, India
Classification: Pathogenic for 3M syndrome 2. Last evaluated: 2020-04-14. Review status: criteria provided, single submitter. Criteria: ACMG Guidelines, 2015. Collection method: clinical testing. Allele origin: germline. Inheritance: Autosomal recessive inheritance. Affected: yes. Observed: 1 compound heterozygote.
Comment: These variants were not observed in population databases like gnomAD, 1000 Genomes project, ExAC and in our in-house data of 569 exomes in homozygous state. The novel variant, c.35dup was observed in gnomAD in eleven individuals (allele frequency: 0.00007362) in heterozygous state. The variant, c.1273dup is a known pathogenic variant (Hanson D et al., 2009) for 3M syndrome and is observed in fourty six individuals (allele frequency: 0.0001651) in heterozygous state in gnomAD. Clinical findings observed in the proband are in concordance with 3M syndrome 2. Thus, the above mentioned variants in compound heterozygous state are interpreted to be pathogenic for the clinical findings observed in the proband.

Literature cited by the submitters: PubMed 19481195.